The following is an entry in ClinVar:

NM_019098.5(CNGB3):c.1578+1G>T

Gene: CNGB3 (cyclic nucleotide gated channel subunit beta 3; minus strand). Cytogenetic location: 8q21.3.
Variant type: single nucleotide variant.
Coding change: c.1578+1G>T on transcript NM_019098.5 (MANE Select); the canonical splice donor site of the intron after coding-DNA position 1578, G replaced by T.
Molecular consequence: splice donor variant.
Genome position (GRCh38, 1-based): chr8:86,625,982, C>A on the plus strand (G>T on the coding strand, the complement: CNGB3 is on the minus strand). VCF-style: chr8-86625982-C-A. GRCh37 (hg19) VCF-style: chr8-87638210-C-A.
Identifiers: ClinVar variation 427704 (VCV000427704.12), dbSNP rs372006750, ClinGen allele CA371441979.

ClinVar aggregate classification (germline): Pathogenic. Review status: criteria provided, multiple submitters, no conflicts (2 of 4 stars). 5 submissions from 5 submitters: Pathogenic (3). 2 of the submissions do not count toward it. Last evaluated 2025-11-23.

Conditions:
Achromatopsia. Also called: Rod monochromatism. Identifiers: Orphanet 49382, MedGen C0152200, MONDO:0018852, HP:0011516.
Achromatopsia 3 (ACHM3). Also called: ROD MONOCHROMACY 1; ROD MONOCHROMATISM 1; PINGELAPESE BLINDNESS; TOTAL COLORBLINDNESS WITH MYOPIA; ACHROMATOPSIA WITH MYOPIA. Identifiers: Orphanet 49382, MedGen C1849792, MONDO:0009875, OMIM 262300.

Allele frequency attached by ClinVar (database versions not stated): TOPMed 0.00001.

Submissions (5):

Labcorp Genetics (formerly Invitae), Labcorp
Classification: Pathogenic. Last evaluated: 2025-11-23. Review status: criteria provided, single submitter. Criteria: Invitae Variant Classification Sherloc (09022015). Collection method: clinical testing. Allele origin: germline.
Comment: This sequence change affects a donor splice site in intron 13 of the CNGB3 gene. It is expected to disrupt RNA splicing. Variants that disrupt the donor or acceptor splice site typically lead to a loss of protein function (PMID: 16199547), and loss-of-function variants in CNGB3 are known to be pathogenic (PMID: 28795510). This variant is not present in population databases (gnomAD no frequency). Disruption of this splice site has been observed in individuals with achromatopsia (PMID: 28795510). ClinVar contains an entry for this variant (Variation ID: 427704). Algorithms developed to predict the effect of sequence changes on RNA splicing suggest that this variant may disrupt the consensus splice site. For these reasons, this variant has been classified as Pathogenic.

Fulgent Genetics
Classification: Pathogenic for Achromatopsia 3. Last evaluated: 2024-04-11. Review status: criteria provided, single submitter. Criteria: ACMG Guidelines, 2015. Collection method: clinical testing. Allele origin: germline.

GeneDx
Classification: Pathogenic. Last evaluated: 2022-05-06. Review status: criteria provided, single submitter. Criteria: GeneDx Variant Classification Process June 2021. Collection method: clinical testing. Allele origin: germline. Affected: yes.
Comment: Canonical splice site variant predicted to result in a null allele in a gene for which loss of function is a known mechanism of disease; Not observed at significant frequency in large population cohorts (gnomAD); This variant is associated with the following publications: (PMID: 28795510)

Natera, Inc.
Classification: Pathogenic for Achromatopsia. Last evaluated: 2021-04-06. Review status: no assertion criteria provided. Collection method: clinical testing. Allele origin: germline. Not counted in ClinVar's aggregate classification.

Molecular Genetics Laboratory, Institute for Ophthalmic Research
Classification: Pathogenic for ACHM3. Last evaluated: 2017-03-27. Review status: no assertion criteria provided. Collection method: research. Allele origin: germline. Affected: yes. Not counted in ClinVar's aggregate classification.

Literature cited by the submitters: PubMed 16199547 (cited by Labcorp Genetics (formerly Invitae), Labcorp); PubMed 28795510 (cited by Labcorp Genetics (formerly Invitae), Labcorp and Molecular Genetics Laboratory, Institute for Ophthalmic Research).